The following is an entry in ClinVar:

ClinVar aggregate classification (germline): Uncertain significance. Review status: criteria provided, multiple submitters, no conflicts (2 of 4 stars). 4 submissions from 4 submitters: Uncertain significance (4). Last evaluated 2024-12-07.

Conditions:
Autosomal recessive omodysplasia (OMOD1). Also called: MICROMELIC DYSPLASIA, CONGENITAL, WITH DISLOCATION OF RADIUS. Identifiers: Orphanet 2733, Orphanet 93329, MedGen C1850318, MONDO:0009779, OMIM 258315.
Inborn genetic diseases. Identifiers: MedGen C0950123, MeSH D030342.

Allele frequency attached by ClinVar (database versions not stated): ESP Exome Variant Server 0.00031; TOPMed 0.00038.
gnomAD v4.1: 1,237 of 1,613,594 alleles (0.077%); highest among the groups gnomAD compares: Non-Finnish European, 0.1%; 3 homozygotes.

Submissions (4):

Ambry Genetics
Classification: Uncertain significance for Inborn genetic diseases. Last evaluated: 2024-12-07. Review status: criteria provided, single submitter. Criteria: Ambry Variant Classification Scheme 2023. Collection method: clinical testing. Allele origin: germline.

Labcorp Genetics (formerly Invitae), Labcorp
Classification: Uncertain significance. Last evaluated: 2024-01-24. Review status: criteria provided, single submitter. Criteria: Invitae Variant Classification Sherloc (09022015). Collection method: clinical testing. Allele origin: germline.
Comment: This sequence change replaces arginine, which is basic and polar, with tryptophan, which is neutral and slightly polar, at codon 524 of the GPC6 protein (p.Arg524Trp). This variant is present in population databases (rs147610049, gnomAD 0.07%), including at least one homozygous and/or hemizygous individual. This variant has not been reported in the literature in individuals affected with GPC6-related conditions. ClinVar contains an entry for this variant (Variation ID: 312554). An algorithm developed to predict the effect of missense changes on protein structure and function (PolyPhen-2) suggests that this variant is likely to be disruptive. In summary, the available evidence is currently insufficient to determine the role of this variant in disease. Therefore, it has been classified as a Variant of Uncertain Significance.

Illumina Laboratory Services, Illumina
Classification: Uncertain significance for Autosomal recessive omodysplasia. Last evaluated: 2018-01-12. Review status: criteria provided, single submitter. Criteria: ICSL Variant Classification Criteria 13 December 2019. Collection method: clinical testing. Allele origin: germline.

Breakthrough Genomics
Classification: Uncertain significance. Review status: criteria provided, single submitter. Criteria: ACMG Guidelines, 2015. Collection method: not provided. Allele origin: germline. Inheritance: Autosomal recessive inheritance. Affected: yes.

NM_005708.5(GPC6):c.1570C>T (p.Arg524Trp)

Gene: GPC6 (glypican 6; plus strand). Cytogenetic location: 13q32.1.
Variant type: single nucleotide variant.
Coding change: c.1570C>T on transcript NM_005708.5 (MANE Select); coding-DNA position 1570, C replaced by T.
Protein change: p.Arg524Trp; replaces arginine 524 with tryptophan.
Molecular consequence: missense variant.
Genome position (GRCh38, 1-based): chr13:94,403,119, C>T. VCF-style: chr13-94403119-C-T. GRCh37 (hg19) VCF-style: chr13-95055373-C-T.
Other names: short protein forms R524W.
Identifiers: ClinVar variation 312554 (VCV000312554.12), dbSNP rs147610049, ClinGen allele CA7017222.